The following is an entry in ClinVar:

NM_006593.4(TBR1):c.751A>G (p.Asn251Asp)

Gene: TBR1 (T-box brain transcription factor 1; plus strand). Cytogenetic location: 2q24.2.
Variant type: single nucleotide variant.
Coding change: c.751A>G on transcript NM_006593.4 (MANE Select); coding-DNA position 751, A replaced by G.
Protein change: p.Asn251Asp; replaces asparagine 251 with aspartic acid.
Molecular consequence: missense variant.
Genome position (GRCh38, 1-based): chr2:161,417,734, A>G. VCF-style: chr2-161417734-A-G. GRCh37 (hg19) VCF-style: chr2-162274245-A-G.
Other names: short protein forms N251D.
Identifiers: ClinVar variation 2498010 (VCV002498010.2), dbSNP rs2468091726, ClinGen allele CA349212119.
Genomic context (GRCh38, chr2:161,417,734, plus strand): 5'-AGGCGCATGTTTCCTTTTTTAAGTTTTAACATTTCTGGTCTCGATCCCACGGCTCATTAC[A>G]ATATTTTTGTGGATGTGATTTTGGCGGATCCCAATCACTGGAGGTTTCAAGGAGGCAAAT-3'
Protein context (NP_006584.1, residues 241-261): ISGLDPTAHY[Asn251Asp]IFVDVILADP

ClinVar aggregate classification (germline): Uncertain significance. Review status: criteria provided, multiple submitters, no conflicts (2 of 4 stars). 2 submissions from 2 submitters: Uncertain significance (2). Last evaluated 2026-05-11.

Conditions:
Inborn genetic diseases. Identifiers: MedGen C0950123, MeSH D030342.

Submissions (2):

Ambry Genetics
Classification: Uncertain significance for Inborn genetic diseases. Last evaluated: 2026-05-11. Review status: criteria provided, single submitter. Criteria: Ambry Variant Classification Scheme 2023. Collection method: clinical testing. Allele origin: germline.

GeneDx
Classification: Uncertain significance. Last evaluated: 2022-10-04. Review status: criteria provided, single submitter. Criteria: GeneDx Variant Classification Process June 2021. Collection method: clinical testing. Allele origin: germline. Affected: yes.
Comment: Not observed at significant frequency in large population cohorts (gnomAD); In silico analysis supports that this missense variant has a deleterious effect on protein structure/function; Has not been previously published as pathogenic or benign to our knowledge